The following is an entry in ClinVar:

NM_022489.4(INF2):c.1806C>T (p.Ile602=)

Gene: INF2 (inverted formin 2; plus strand). Cytogenetic location: 14q32.33.
Variant type: single nucleotide variant.
Coding change: c.1806C>T on transcript NM_022489.4 (MANE Select); coding-DNA position 1806, C replaced by T.
Protein change: p.Ile602=; no amino-acid change (isoleucine 602 retained).
Molecular consequence: synonymous variant.
Genome position (GRCh38, 1-based): chr14:104,708,506, C>T. VCF-style: chr14-104708506-C-T. GRCh37 (hg19) VCF-style: chr14-105174843-C-T.
Other names: c.1806C>T, p.Ile602= (NM_001031714.4).
Identifiers: ClinVar variation 312695 (VCV000312695.18), dbSNP rs760506368, ClinGen allele CA7372679.

ClinVar aggregate classification (germline): Benign/Likely benign. Review status: criteria provided, multiple submitters, no conflicts (2 of 4 stars). 6 submissions from 6 submitters: Benign (1); Likely benign (5). Last evaluated 2025-12-02.

Conditions:
Focal segmental glomerulosclerosis 5 (FSGS5). Identifiers: Orphanet 656, MedGen C2750475, MONDO:0013191, OMIM 613237.
INF2-related disorder. Also called: INF2-related condition.
Inborn genetic diseases. Identifiers: MedGen C0950123, MeSH D030342.
Charcot-Marie-Tooth disease dominant intermediate E. Also called: CHARCOT-MARIE-TOOTH NEUROPATHY WITH FOCAL SEGMENTAL GLOMERULONEPHRITIS. Identifiers: Orphanet 93114, MedGen C4302667, MONDO:0013758, OMIM 614455.

Allele frequency attached by ClinVar (database versions not stated): gnomAD 0.00007 and 0.00009; gnomAD exomes 0.00003 and 0.00006; TOPMed 0.00005; ExAC 0.00007.

Submissions (6):

PreventionGenetics, part of Exact Sciences
Classification: Likely benign for INF2-related condition. Last evaluated: 2025-12-02. Review status: criteria provided, single submitter. Criteria: ACMG Guidelines, 2015. Collection method: clinical testing. Allele origin: germline.
Comment: This variant is classified as likely benign based on ACMG/AMP sequence variant interpretation guidelines (Richards et al. 2015 PMID: 25741868, with internal and published modifications).

Labcorp Genetics (formerly Invitae), Labcorp
Classification: Likely benign for Charcot-Marie-Tooth disease dominant intermediate E; Focal segmental glomerulosclerosis 5. Last evaluated: 2025-10-21. Review status: criteria provided, single submitter. Criteria: Invitae Variant Classification Sherloc (09022015). Collection method: clinical testing. Allele origin: germline.

Blueprint Genetics
Classification: Likely benign. Last evaluated: 2024-01-18. Review status: criteria provided, single submitter. Criteria: ACMG Guidelines, 2015. Collection method: clinical testing. Allele origin: germline.

Fulgent Genetics
Classification: Likely benign for Focal segmental glomerulosclerosis 5; Charcot-Marie-Tooth disease dominant intermediate E. Last evaluated: 2022-04-22. Review status: criteria provided, single submitter. Criteria: ACMG Guidelines, 2015. Collection method: clinical testing. Allele origin: unknown.

Ambry Genetics
Classification: Likely benign for Inborn genetic diseases. Last evaluated: 2019-07-11. Review status: criteria provided, single submitter. Criteria: Ambry Variant Classification Scheme 2023. Collection method: clinical testing. Allele origin: germline.

Illumina Laboratory Services, Illumina
Classification: Benign for Focal segmental glomerulosclerosis 5. Last evaluated: 2018-01-12. Review status: criteria provided, single submitter. Criteria: ICSL Variant Classification Criteria 13 December 2019. Collection method: clinical testing. Allele origin: germline.
Comment: This variant was observed in the ICSL laboratory as part of a predisposition screen in an ostensibly healthy population. It had not been previously curated by ICSL or reported in the Human Gene Mutation Database (HGMD: prior to June 1st, 2018), and was therefore a candidate for classification through an automated scoring system. Utilizing variant allele frequency, disease prevalence and penetrance estimates, and inheritance mode, an automated score was calculated to assess if this variant is too frequent to cause the disease. Based on the score and internal cut-off values, a variant classified as benign is not then subjected to further curation. The score for this variant resulted in a classification of benign for this disease.